The following is an entry in ClinVar:

NM_172341.4(PSENEN):c.61+3A>G

Gene: PSENEN (presenilin enhancer, gamma-secretase subunit; plus strand). Cytogenetic location: 19q13.12.
Variant type: single nucleotide variant.
Coding change: c.61+3A>G on transcript NM_172341.4 (MANE Select); 3 bases into the intron after coding-DNA position 61, A replaced by G.
Molecular consequence: intron variant.
Genome position (GRCh38, 1-based): chr19:35,745,994, A>G. VCF-style: chr19-35745994-A-G. GRCh37 (hg19) VCF-style: chr19-36236895-A-G.
Other names: c.61+3A>G (NM_001281532.3).
Identifiers: ClinVar variation 1493528 (VCV001493528.6), dbSNP rs201605573, ClinGen allele CA9386989.

ClinVar aggregate classification (germline): Uncertain significance (1 of 4 stars; one submission).

Allele frequency attached by ClinVar (database versions not stated): ExAC 0.00001; gnomAD 0.00001; gnomAD exomes 0.00001; TOPMed 0.00002.
gnomAD v4.1: 17 of 1,613,856 alleles (0.0011%); highest among the groups gnomAD compares: Admixed American, 0.0033%; no homozygotes.

Submission:

Labcorp Genetics (formerly Invitae), Labcorp
Classification: Uncertain significance. Last evaluated: 2025-04-30. Review status: criteria provided, single submitter. Criteria: Invitae Variant Classification Sherloc (09022015). Collection method: clinical testing. Allele origin: germline.
Comment: This sequence change falls in intron 2 of the PSENEN gene. It does not directly change the encoded amino acid sequence of the PSENEN protein. It affects a nucleotide within the consensus splice site. This variant is present in population databases (rs201605573, gnomAD 0.003%). This variant has not been reported in the literature in individuals affected with PSENEN-related conditions. ClinVar contains an entry for this variant (Variation ID: 1493528). Variants that disrupt the consensus splice site are a relatively common cause of aberrant splicing (PMID: 17576681, 9536098). Algorithms developed to predict the effect of sequence changes on RNA splicing suggest that this variant is not likely to affect RNA splicing. In summary, the available evidence is currently insufficient to determine the role of this variant in disease. Therefore, it has been classified as a Variant of Uncertain Significance.

Literature cited by the submitters: PubMed 17576681; PubMed 9536098.